The following is an entry in ClinVar:

NM_024675.4(PALB2):c.2797del (p.Cys933fs)

Gene: PALB2 (partner and localizer of BRCA2; minus strand). Cytogenetic location: 16p12.2.
Variant type: Deletion.
Coding change: c.2797del on transcript NM_024675.4 (MANE Select); coding-DNA position 2797, one base deleted (T; older notation c.2797delT).
Protein change: p.Cys933fs; shifts the reading frame from cysteine 933.
Molecular consequence: frameshift variant.
Genome position (GRCh38, 1-based): chr16:23,624,046, A deleted on the plus strand (T on the coding strand, the reverse complement: PALB2 is on the minus strand). VCF-style (leftmost placement, unchanged base first): chr16-23624045-CA-C. GRCh37 (hg19) VCF-style: chr16-23635366-CA-C.
Other names: c.2737delT, p.Cys913Valfs (NM_001407296.1); c.2797delT, p.Cys933Valfs (NM_001407299.1, NM_001407300.1, NM_001407301.1); c.2725delT, p.Cys909Valfs (NM_001407297.1); c.2635delT, p.Cys879Valfs (NM_001407298.1, NM_001407302.1); c.1912delT, p.Cys638Valfs (NM_001407304.1, NM_001407305.1, NM_001407306.1 and 4 more transcripts); c.1750delT, p.Cys584Valfs (NM_001407307.1); c.1009delT, p.Cys337Valfs (NM_001407312.1, NM_001407313.1); c.331delT, p.Cys111Valfs (NM_001407314.1); short protein forms C933fs.
Identifiers: ClinVar variation 1796101 (VCV001796101.2), dbSNP rs2506350050, ClinGen allele CA2527370883.

ClinVar aggregate classification (germline): Pathogenic (1 of 4 stars; one submission).

Conditions:
Hereditary cancer-predisposing syndrome. Also called: Tumor predisposition; Hereditary Cancer Syndrome; Neoplastic Syndromes, Hereditary; Hereditary neoplastic syndrome. Identifiers: Orphanet 140162, MedGen C0027672, MeSH D009386, MONDO:0015356.

Submission:

Ambry Genetics
Classification: Pathogenic for Hereditary cancer-predisposing syndrome. Last evaluated: 2021-10-27. Review status: criteria provided, single submitter. Criteria: Ambry Variant Classification Scheme 2023. Collection method: clinical testing. Allele origin: germline.
Comment: The c.2797delT pathogenic mutation, located in coding exon 8 of the PALB2 gene, results from a deletion of one nucleotide at nucleotide position 2797, causing a translational frameshift with a predicted alternate stop codon (p.C933Vfs*2). This variant is considered to be rare based on population cohorts in the Genome Aggregation Database (gnomAD). This alteration is expected to result in loss of function by premature protein truncation or nonsense-mediated mRNA decay. As such, this alteration is interpreted as a disease-causing mutation.